The following is an entry in ClinVar:

ClinVar aggregate classification (germline): Uncertain significance (1 of 4 stars; one submission).

Conditions:
KAT8-related disorder. Also called: KAT8-related condition.

Submission:

PreventionGenetics, part of Exact Sciences
Classification: Uncertain significance for KAT8-related condition. Last evaluated: 2022-08-18. Review status: criteria provided, single submitter. Criteria: ACMG Guidelines, 2015. Collection method: clinical testing. Allele origin: germline.
Comment: The KAT8 c.1006+5G>C variant is predicted to interfere with splicing. To our knowledge, this variant has not been reported in the literature or in a large population database, indicating this variant is rare. At this time, the clinical significance of this variant is uncertain due to the absence of conclusive functional and genetic evidence.

NM_032188.3(KAT8):c.1006+5G>C

Gene: KAT8 (lysine acetyltransferase 8; plus strand). Cytogenetic location: 16p11.2.
Variant type: single nucleotide variant.
Coding change: c.1006+5G>C on transcript NM_032188.3 (MANE Select); 5 bases into the intron after coding-DNA position 1006, G replaced by C.
Molecular consequence: intron variant.
Genome position (GRCh38, 1-based): chr16:31,130,365, G>C. VCF-style: chr16-31130365-G-C. GRCh37 (hg19) VCF-style: chr16-31141686-G-C.
Other names: c.1006+5G>C (NM_182958.4).
Identifiers: ClinVar variation 2636255 (VCV002636255.1), dbSNP rs2143995597, ClinGen allele CA2695197637.